The following is an entry in ClinVar:

ClinVar aggregate classification (germline): Likely pathogenic (1 of 4 stars; one submission).

Conditions:
Severe combined immunodeficiency due to DCLRE1C deficiency (RS-SCID). Also called: SCID, AUTOSOMAL RECESSIVE, T CELL-NEGATIVE, B CELL-NEGATIVE, NK CELL-POSITIVE, WITH SENSITIVITY TO IONIZING RADIATION. Identifiers: Orphanet 275, MedGen C1865371, MONDO:0011225, OMIM 602450.

Submission:

Labcorp Genetics (formerly Invitae), Labcorp
Classification: Likely pathogenic for Athabaskan severe combined immunodeficiency. Last evaluated: 2023-08-18. Review status: criteria provided, single submitter. Criteria: Invitae Variant Classification Sherloc (09022015). Collection method: clinical testing. Allele origin: germline.
Comment: In summary, the currently available evidence indicates that the variant is pathogenic, but additional data are needed to prove that conclusively. Therefore, this variant has been classified as Likely Pathogenic. Algorithms developed to predict the effect of sequence changes on RNA splicing suggest that this variant may disrupt the consensus splice site. This variant has not been reported in the literature in individuals affected with DCLRE1C-related conditions. This variant is not present in population databases (gnomAD no frequency). This sequence change affects an acceptor splice site in intron 9 of the DCLRE1C gene. It is expected to disrupt RNA splicing. Variants that disrupt the donor or acceptor splice site typically lead to a loss of protein function (PMID: 16199547), and loss-of-function variants in DCLRE1C are known to be pathogenic (PMID: 21664875, 26123418).

Literature cited by the submitters: PubMed 16199547; PubMed 21664875; PubMed 26123418.

NM_001033855.3(DCLRE1C):c.781-1G>A

Gene: DCLRE1C (DNA cross-link repair 1C; minus strand). Cytogenetic location: 10p13.
Variant type: single nucleotide variant.
Coding change: c.781-1G>A on transcript NM_001033855.3 (MANE Select); the canonical splice acceptor site of the intron before coding-DNA position 781, G replaced by A.
Molecular consequence: splice acceptor variant.
Genome position (GRCh38, 1-based): chr10:14,928,153, C>T on the plus strand (G>A on the coding strand, the complement: DCLRE1C is on the minus strand). VCF-style: chr10-14928153-C-T. GRCh37 (hg19) VCF-style: chr10-14970152-C-T.
Other names: c.436-1G>A (NM_001350966.2, NM_001289078.2, NM_001289076.2 and 1 more transcripts); c.781-1G>A (NM_001350965.2); c.421-1G>A (NM_001350967.2, NM_001289077.2, NM_001289079.2 and 2 more transcripts).
Identifiers: ClinVar variation 2753864 (VCV002753864.3), dbSNP rs2491948431, ClinGen allele CA376056798.